The following is an entry in ClinVar:

ClinVar aggregate classification (germline): Uncertain significance (1 of 4 stars; one submission).

Conditions:
ALG9 congenital disorder of glycosylation (CDG1L). Also called: CDG Il; CONGENITAL DISORDER OF GLYCOSYLATION, TYPE Il; ALG9-CDG. Identifiers: Orphanet 79328, MedGen C2931006, MONDO:0012117, OMIM 608776.

Submission:

Labcorp Genetics (formerly Invitae), Labcorp
Classification: Uncertain significance for ALG9 congenital disorder of glycosylation. Last evaluated: 2022-02-06. Review status: criteria provided, single submitter. Criteria: Invitae Variant Classification Sherloc (09022015). Collection method: clinical testing. Allele origin: germline.
Comment: In summary, the available evidence is currently insufficient to determine the role of this variant in disease. Therefore, it has been classified as a Variant of Uncertain Significance. Algorithms developed to predict the effect of missense changes on protein structure and function are either unavailable or do not agree on the potential impact of this missense change (SIFT: "Deleterious"; PolyPhen-2: "Probably Damaging"; Align-GVGD: "Class C0"). This variant has not been reported in the literature in individuals affected with ATP6V0A2-related conditions. This variant is not present in population databases (gnomAD no frequency). This sequence change replaces glutamic acid, which is acidic and polar, with lysine, which is basic and polar, at codon 124 of the ATP6V0A2 protein (p.Glu124Lys).

NM_012463.4(ATP6V0A2):c.370G>A (p.Glu124Lys)

Gene: ATP6V0A2 (ATPase H+ transporting V0 subunit a2; plus strand). Cytogenetic location: 12q24.31.
Variant type: single nucleotide variant.
Coding change: c.370G>A on transcript NM_012463.4 (MANE Select); coding-DNA position 370, G replaced by A.
Protein change: p.Glu124Lys; replaces glutamic acid 124 with lysine.
Molecular consequence: missense variant.
Genome position (GRCh38, 1-based): chr12:123,724,729, G>A. VCF-style: chr12-123724729-G-A. GRCh37 (hg19) VCF-style: chr12-124209276-G-A.
Other names: short protein forms E124K.
Identifiers: ClinVar variation 2094086 (VCV002094086.4), dbSNP rs2541846015, ClinGen allele CA387151783.